The following is an entry in ClinVar:

NM_001267550.2(TTN):c.29604+7T>C

Gene: TTN (titin; minus strand). Cytogenetic location: 2q31.2.
Variant type: single nucleotide variant.
Coding change: c.29604+7T>C on transcript NM_001267550.2 (MANE Select); 7 bases into the intron after coding-DNA position 29604, T replaced by C.
Molecular consequence: intron variant.
Genome position (GRCh38, 1-based): chr2:178,705,167, A>G on the plus strand (T>C on the coding strand, the complement: TTN is on the minus strand). VCF-style: chr2-178705167-A-G. GRCh37 (hg19) VCF-style: chr2-179569894-A-G.
Other names: c.13282+32915T>C (NM_003319.4); c.13858+32915T>C (NM_133437.4); c.13657+32915T>C (NM_133432.3); c.25872+7T>C (NM_133378.4); c.28653+7T>C (NM_001256850.1).
Identifiers: ClinVar variation 166127 (VCV000166127.14), dbSNP rs727503639, ClinGen allele CA178923.

ClinVar aggregate classification (germline): Likely benign. Review status: criteria provided, multiple submitters, no conflicts (2 of 4 stars). 2 submissions from 2 submitters: Likely benign (2). Last evaluated 2026-01-06.

Conditions:
Dilated cardiomyopathy 1G (CMD1G). Identifiers: Orphanet 154, MedGen C1858763, MONDO:0011400, OMIM 604145.
Autosomal recessive limb-girdle muscular dystrophy type 2J (LGMDR10). Also called: Limb-girdle muscular dystrophy, type 2J; MUSCULAR DYSTROPHY, LIMB-GIRDLE, AUTOSOMAL RECESSIVE 10. Identifiers: Orphanet 140922, MedGen C1837342, MONDO:0012127, OMIM 608807.

Allele frequency attached by ClinVar (database versions not stated): gnomAD exomes below 0.00001.
gnomAD v4.1: 1 of 1,610,874 alleles (0.000062%); highest among the groups gnomAD compares: Admixed American, 0.0017%; no homozygotes.

Submissions (2):

Labcorp Genetics (formerly Invitae), Labcorp
Classification: Likely benign for Dilated cardiomyopathy 1G; Autosomal recessive limb-girdle muscular dystrophy type 2J. Last evaluated: 2026-01-06. Review status: criteria provided, single submitter. Criteria: Invitae Variant Classification Sherloc (09022015). Collection method: clinical testing. Allele origin: germline.

Laboratory for Molecular Medicine, Mass General Brigham Personalized Medicine
Classification: Likely benign. Last evaluated: 2014-01-31. Review status: criteria provided, single submitter. Criteria: LMM Criteria. Collection method: clinical testing. Allele origin: germline. Observed: 1 variant allele.
Comment: 25872+7T>C in intron 100 of TTN: This variant is not expected to have clinical s ignificance because it does not alter an amino acid residue and is not located w ithin the splice consensus sequence. 25872+7T>C in intron 100 of TTN (allele fr equency = n/a)